The following is an entry in ClinVar:

NM_003467.3(CXCR4):c.250G>A (p.Asp84Asn)

Gene: CXCR4 (C-X-C motif chemokine receptor 4; minus strand). Cytogenetic location: 2q22.1.
Variant type: single nucleotide variant.
Coding change: c.250G>A on transcript NM_003467.3 (MANE Select); coding-DNA position 250, G replaced by A.
Protein change: p.Asp84Asn; replaces aspartic acid 84 with asparagine.
Molecular consequence: missense variant.
Genome position (GRCh38, 1-based): chr2:136,115,678, C>T on the plus strand (G>A on the coding strand, the complement: CXCR4 is on the minus strand). VCF-style: chr2-136115678-C-T. GRCh37 (hg19) VCF-style: chr2-136873248-C-T.
Other names: c.262G>A, p.Asp88Asn (NM_001008540.2); c.463G>A, p.Asp155Asn (NM_001348056.2); c.349G>A, p.Asp117Asn (NM_001348059.2); c.205G>A, p.Asp69Asn (NM_001348060.2); short protein forms D88N, D117N, D155N, D69N, D84N.
Identifiers: ClinVar variation 653935 (VCV000653935.9), dbSNP rs368016542, ClinGen allele CA1890144.

ClinVar aggregate classification (germline): Uncertain significance (1 of 4 stars; one submission).

Conditions:
Warts, hypogammaglobulinemia, infections, and myelokathexis. Also called: WHIM syndrome. Identifiers: MedGen C0472817, MONDO:0023880.

Allele frequency attached by ClinVar (database versions not stated): TOPMed 0.00001.
gnomAD v4.1: 16 of 1,614,068 alleles (0.00099%); highest among the groups gnomAD compares: South Asian, 0.0022%; no homozygotes.

Submission:

Labcorp Genetics (formerly Invitae), Labcorp
Classification: Uncertain significance for Warts, hypogammaglobulinemia, infections, and myelokathexis. Last evaluated: 2018-07-20. Review status: criteria provided, single submitter. Criteria: Invitae Variant Classification Sherloc (09022015). Collection method: clinical testing. Allele origin: germline.
Comment: This sequence change replaces aspartic acid with asparagine at codon 84 of the CXCR4 protein (p.Asp84Asn). The aspartic acid residue is highly conserved and there is a small physicochemical difference between aspartic acid and asparagine. This variant is present in population databases (rs368016542, ExAC 0.006%). This variant has not been reported in the literature in individuals with CXCR4-related disease. Algorithms developed to predict the effect of missense changes on protein structure and function are either unavailable or do not agree on the potential impact of this missense change (SIFT: "Deleterious"; PolyPhen-2: "Probably Damaging"; Align-GVGD: "Class C15"). In summary, the available evidence is currently insufficient to determine the role of this variant in disease. Therefore, it has been classified as a Variant of Uncertain Significance.